The following is an entry in ClinVar:

ClinVar aggregate classification (germline): Uncertain significance. Review status: criteria provided, multiple submitters, no conflicts (2 of 4 stars). 2 submissions from 2 submitters: Uncertain significance (2). Last evaluated 2024-10-24.

Allele frequency attached by ClinVar (database versions not stated): gnomAD 0.00002; gnomAD exomes 0.00002; ESP Exome Variant Server 0.00009.
gnomAD v4.1: 20 of 1,160,527 alleles (0.0017%); highest among the groups gnomAD compares: Non-Finnish European, 0.0023%; no homozygotes.

Submissions (2):

Blueprint Genetics
Classification: Uncertain significance. Last evaluated: 2024-10-24. Review status: criteria provided, single submitter. Criteria: ACMG Guidelines, 2015. Collection method: clinical testing. Allele origin: germline.

Labcorp Genetics (formerly Invitae), Labcorp
Classification: Uncertain significance. Last evaluated: 2021-08-28. Review status: criteria provided, single submitter. Criteria: Invitae Variant Classification Sherloc (09022015). Collection method: clinical testing. Allele origin: germline.
Comment: This sequence change replaces tyrosine with cysteine at codon 43 of the CHM protein (p.Tyr43Cys). The tyrosine residue is highly conserved and there is a large physicochemical difference between tyrosine and cysteine. This variant is present in population databases (rs141561651, ExAC 0.004%). This variant has not been reported in the literature in individuals affected with CHM-related conditions. Algorithms developed to predict the effect of missense changes on protein structure and function (SIFT, PolyPhen-2, Align-GVGD) all suggest that this variant is likely to be disruptive. In summary, the available evidence is currently insufficient to determine the role of this variant in disease. Therefore, it has been classified as a Variant of Uncertain Significance.

NM_000390.4(CHM):c.128A>G (p.Tyr43Cys)

Gene: CHM (CHM Rab escort protein; minus strand). Cytogenetic location: Xq21.2.
Variant type: single nucleotide variant.
Coding change: c.128A>G on transcript NM_000390.4 (MANE Select); coding-DNA position 128, A replaced by G.
Protein change: p.Tyr43Cys; replaces tyrosine 43 with cysteine.
Molecular consequence: missense variant. On other transcripts: 5 prime UTR variant (4).
Genome position (GRCh38, 1-based): chrX:85,981,798, T>C on the plus strand (A>G on the coding strand, the complement: CHM is on the minus strand). VCF-style: chrX-85981798-T-C. GRCh37 (hg19) VCF-style: chrX-85236802-T-C.
Other names: c.128A>G, p.Tyr43Cys (NM_001145414.4); c.-317A>G (NM_001320959.1, NM_001362517.1); c.-313A>G (NM_001362518.2, NM_001362519.1); short protein forms Y43C.
Identifiers: ClinVar variation 2201011 (VCV002201011.2), dbSNP rs141561651, ClinGen allele CA10465636.
Genomic context (GRCh38, chrX:85,981,798, plus strand): 5'-TGGTATTCCTTTAGCCAGGACAATAGTCCTGAAAAGCTAAAACTGGCCCAGTTTCCTCCA[T>C]AGTAGCTTCTTCTGTAACAATTAAAAAAAAAAAAAAAAGTAAAGAAAATGGTATAAAAAT-3'
Protein context (NP_000381.1, residues 33-53): RVLHVDSRSY[Tyr43Cys]GGNWASFSFS